The following is an entry in ClinVar:

NM_005097.4(LGI1):c.1210A>T (p.Ser404Cys)

Gene: LGI1 (leucine rich glioma inactivated 1; plus strand). Cytogenetic location: 10q23.33.
Variant type: single nucleotide variant.
Coding change: c.1210A>T on transcript NM_005097.4 (MANE Select); coding-DNA position 1210, A replaced by T.
Protein change: p.Ser404Cys; replaces serine 404 with cysteine.
Molecular consequence: missense variant. On other transcripts: non-coding transcript variant (1), intron variant (1).
Genome position (GRCh38, 1-based): chr10:93,797,339, A>T. VCF-style: chr10-93797339-A-T. GRCh37 (hg19) VCF-style: chr10-95557096-A-T.
Other names: c.1066A>T, p.Ser356Cys (NM_001308276.2); c.839-410A>T (NM_001308275.2); short protein forms S404C, S356C.
Identifiers: ClinVar variation 579928 (VCV000579928.13), dbSNP rs1564853070, ClinGen allele CA377628326.

ClinVar aggregate classification (germline): Uncertain significance. Review status: criteria provided, multiple submitters, no conflicts (2 of 4 stars). 2 submissions from 2 submitters: Uncertain significance (2). Last evaluated 2024-01-29.

Conditions:
Autosomal dominant epilepsy with auditory features. Identifiers: Orphanet 101046, MedGen C1838062, MONDO:0010898.

Allele frequency attached by ClinVar (database versions not stated): TOPMed below 0.00001; gnomAD 0.00001; gnomAD exomes 0.00001.
gnomAD v4.1: 10 of 1,614,082 alleles (0.00062%); highest among the groups gnomAD compares: Non-Finnish European, 0.00085%; no homozygotes.

Submissions (2):

GeneDx
Classification: Uncertain significance. Last evaluated: 2024-01-29. Review status: criteria provided, single submitter. Criteria: GeneDx Variant Classification Process June 2021. Collection method: clinical testing. Allele origin: germline. Affected: yes.
Comment: Not observed in large population cohorts (gnomAD); In silico analysis supports that this missense variant has a deleterious effect on protein structure/function; Has not been previously published as pathogenic or benign to our knowledge

Labcorp Genetics (formerly Invitae), Labcorp
Classification: Uncertain significance for Autosomal dominant epilepsy with auditory features. Last evaluated: 2019-07-30. Review status: criteria provided, single submitter. Criteria: Invitae Variant Classification Sherloc (09022015). Collection method: clinical testing. Allele origin: germline.
Comment: In summary, the available evidence is currently insufficient to determine the role of this variant in disease. Therefore, it has been classified as a Variant of Uncertain Significance. Algorithms developed to predict the effect of missense changes on protein structure and function (SIFT, PolyPhen-2, Align-GVGD) all suggest that this variant is likely to be disruptive, but these predictions have not been confirmed by published functional studies and their clinical significance is uncertain. This variant has not been reported in the literature in individuals with LGI1-related disease. This variant is not present in population databases (ExAC no frequency). This sequence change replaces serine with cysteine at codon 404 of the LGI1 protein (p.Ser404Cys). The serine residue is highly conserved and there is a moderate physicochemical difference between serine and cysteine.